The following is an entry in ClinVar:

ClinVar aggregate classification (germline): Uncertain significance. Review status: criteria provided, multiple submitters, no conflicts (2 of 4 stars). 2 submissions from 2 submitters: Uncertain significance (2). Last evaluated 2025-05-19.

Conditions:
Inborn genetic diseases. Identifiers: MedGen C0950123, MeSH D030342.

Allele frequency attached by ClinVar (database versions not stated): TOPMed below 0.00001; ExAC 0.00002; gnomAD 0.00001; gnomAD exomes 0.00001.
gnomAD v4.1: 15 of 1,613,906 alleles (0.00093%); highest among the groups gnomAD compares: Admixed American, 0.0017%; no homozygotes.

Submissions (2):

Ambry Genetics
Classification: Uncertain significance for Inborn genetic diseases. Last evaluated: 2025-05-19. Review status: criteria provided, single submitter. Criteria: Ambry Variant Classification Scheme 2023. Collection method: clinical testing. Allele origin: germline.

Labcorp Genetics (formerly Invitae), Labcorp
Classification: Uncertain significance. Last evaluated: 2022-07-19. Review status: criteria provided, single submitter. Criteria: Invitae Variant Classification Sherloc (09022015). Collection method: clinical testing. Allele origin: germline.
Comment: This sequence change replaces arginine, which is basic and polar, with cysteine, which is neutral and slightly polar, at codon 82 of the NDUFAF5 protein (p.Arg82Cys). This variant is present in population databases (rs763636027, gnomAD 0.003%). This variant has not been reported in the literature in individuals affected with NDUFAF5-related conditions. Algorithms developed to predict the effect of missense changes on protein structure and function (SIFT, PolyPhen-2, Align-GVGD) all suggest that this variant is likely to be disruptive. In summary, the available evidence is currently insufficient to determine the role of this variant in disease. Therefore, it has been classified as a Variant of Uncertain Significance.

NM_024120.5(NDUFAF5):c.244C>T (p.Arg82Cys)

Gene: NDUFAF5 (NADH:ubiquinone oxidoreductase complex assembly factor 5; plus strand). Cytogenetic location: 20p12.1.
Variant type: single nucleotide variant.
Coding change: c.244C>T on transcript NM_024120.5 (MANE Select); coding-DNA position 244, C replaced by T.
Protein change: p.Arg82Cys; replaces arginine 82 with cysteine.
Molecular consequence: missense variant. On other transcripts: 5 prime UTR variant (3), non-coding transcript variant (7).
Genome position (GRCh38, 1-based): chr20:13,787,333, C>T. VCF-style: chr20-13787333-C-T. GRCh37 (hg19) VCF-style: chr20-13767979-C-T.
Other names: c.244C>T, p.Arg82Cys (NM_001039375.3, NM_001352408.2); c.-124C>T (NM_001352403.2); c.-338C>T (NM_001352406.2); c.-318C>T (NM_001352407.2); c.244C>T (NM_024120.4); short protein forms R82C.
Identifiers: ClinVar variation 1987209 (VCV001987209.2), dbSNP rs763636027, ClinGen allele CA9767663.